The following is an entry in ClinVar:

ClinVar aggregate classification (germline): Benign/Likely benign. Review status: criteria provided, multiple submitters, no conflicts (2 of 4 stars). 3 submissions from 3 submitters: Benign (1); Likely benign (1). 1 of the submissions does not count toward it. Last evaluated 2026-01-21.

Conditions:
DMXL2-related disorder. Also called: DMXL2-related condition.

Allele frequency attached by ClinVar (database versions not stated): ESP Exome Variant Server 0.00008; gnomAD 0.00011 and 0.00017; TOPMed 0.00029; 1000 Genomes Project 0.00060; 1000 Genomes Project 30x 0.00062.
gnomAD v4.1: 178 of 1,613,442 alleles (0.011%); highest among the groups gnomAD compares: East Asian, 0.34%; 3 homozygotes.

Submissions (3):

Labcorp Genetics (formerly Invitae), Labcorp
Classification: Benign. Last evaluated: 2026-01-21. Review status: criteria provided, single submitter. Criteria: Invitae Variant Classification Sherloc (09022015). Collection method: clinical testing. Allele origin: germline.

Blueprint Genetics
Classification: Likely benign. Last evaluated: 2024-06-06. Review status: criteria provided, single submitter. Criteria: ACMG Guidelines, 2015. Collection method: clinical testing. Allele origin: germline.

PreventionGenetics, part of Exact Sciences
Classification: Likely benign for DMXL2-related condition. Last evaluated: 2020-01-13. Review status: no assertion criteria provided. Collection method: clinical testing. Allele origin: germline. Not counted in ClinVar's aggregate classification.
Comment: This variant is classified as likely benign based on ACMG/AMP sequence variant interpretation guidelines (Richards et al. 2015 PMID: 25741868, with internal and published modifications).

NM_001378457.1(DMXL2):c.2109G>A (p.Ser703=)

Gene: DMXL2 (Dmx like 2; minus strand). Cytogenetic location: 15q21.2.
Variant type: single nucleotide variant.
Coding change: c.2109G>A on transcript NM_001378457.1 (MANE Select); coding-DNA position 2109, G replaced by A.
Protein change: p.Ser703=; no amino-acid change (serine 703 retained).
Molecular consequence: synonymous variant. On other transcripts: non-coding transcript variant (2).
Genome position (GRCh38, 1-based): chr15:51,536,371, C>T on the plus strand (G>A on the coding strand, the complement: DMXL2 is on the minus strand). VCF-style: chr15-51536371-C-T. GRCh37 (hg19) VCF-style: chr15-51828568-C-T.
Other names: c.2109G>A, p.Ser703= (NM_001174116.3, NM_001174117.3, NM_001378458.1 and 6 more transcripts); c.1869G>A, p.Ser623= (NM_001378464.1); c.2109G>A (NM_001174116.1).
Identifiers: ClinVar variation 1549058 (VCV001549058.11), dbSNP rs141206641, ClinGen allele CA7562447.
Genomic context (GRCh38, chr15:51,536,371, plus strand): 5'-ACTGTAGATTGCATTTGGGTCATGAAATGTACGAGTTGCTGCATTTCTAAGAGGTTGTTT[C>T]GAGGAACCTTTTATATGTTTTACAGGGTCCATTAATCTACTTAATTTATTGTCTGAGTCC-3'
Protein context (NP_001365386.1, residues 693-713): MDPVKHIKGS[Ser703=]KQPLRNAATR